The following is an entry in ClinVar:

ClinVar aggregate classification (germline): Uncertain significance (1 of 4 stars; one submission).

Conditions:
Hereditary cancer-predisposing syndrome. Also called: Tumor predisposition; Neoplastic Syndromes, Hereditary; Hereditary neoplastic syndrome; Hereditary Cancer Syndrome. Identifiers: Orphanet 140162, MedGen C0027672, MeSH D009386, MONDO:0015356.

Submission:

Ambry Genetics
Classification: Uncertain significance for Hereditary cancer-predisposing syndrome. Last evaluated: 2025-08-27. Review status: criteria provided, single submitter. Criteria: Ambry Variant Classification Scheme 2023. Collection method: clinical testing. Allele origin: germline.
Comment: The p.M506L variant (also known as c.1516A>T), located in coding exon 15 of the MUTYH gene, results from an A to T substitution at nucleotide position 1516. The methionine at codon 506 is replaced by leucine, an amino acid with highly similar properties. This amino acid position is conserved. In addition, this alteration is predicted to be tolerated by in silico analysis. Based on the available evidence, the clinical significance of this variant remains unclear.

NM_001048174.2(MUTYH):c.1432A>T (p.Met478Leu)

Gene: MUTYH (mutY DNA glycosylase; minus strand). Cytogenetic location: 1p34.1.
Variant type: single nucleotide variant.
Coding change: c.1432A>T on transcript NM_001048174.2 (MANE Select); coding-DNA position 1432, A replaced by T.
Protein change: p.Met478Leu; replaces methionine 478 with leucine.
Molecular consequence: missense variant. On other transcripts: non-coding transcript variant (7).
Genome position (GRCh38, 1-based): chr1:45,330,518, T>A on the plus strand (A>T on the coding strand, the complement: MUTYH is on the minus strand). VCF-style: chr1-45330518-T-A. GRCh37 (hg19) VCF-style: chr1-45796190-T-A.
Other names: c.1432A>T, p.Met478Leu (NM_001048171.2, NM_001048173.2, NM_001293195.2 and 6 more transcripts); c.1435A>T, p.Met479Leu (NM_001048172.2, NM_001407071.1, NM_001407086.1 and 1 more transcripts); c.1516A>T, p.Met506Leu (NM_001128425.2); c.1477A>T, p.Met493Leu (NM_001293190.2); c.1465A>T, p.Met489Leu (NM_001293191.2, NM_001407069.1, NM_001407077.1); c.1156A>T, p.Met386Leu (NM_001293192.2, NM_001293196.2, NM_001407091.1); c.1087A>T, p.Met363Leu (NM_001350650.2, NM_001350651.2, NM_001407082.1); c.1453A>T, p.Met485Leu (NM_001407087.1); and 5 more; short protein forms M478L, M489L, M492L, M363L, M479L, M503L, M450L, M386L.
Identifiers: ClinVar variation 4113310 (VCV004113310.1).